The following is an entry in ClinVar:

ClinVar aggregate classification (germline): Pathogenic. Review status: criteria provided, multiple submitters, no conflicts (2 of 4 stars). 2 submissions from 2 submitters: Pathogenic (2). Last evaluated 2025-04-01.

Conditions:
Polycystic kidney disease, adult type (PKD1). Also called: Polycystic Kidney Disease 1, Autosomal Dominant; Polycystic kidney disease 1; Polycystic kidney disease 1, severe; POLYCYSTIC KIDNEY DISEASE 1 WITH OR WITHOUT POLYCYSTIC LIVER DISEASE; Polycystic Kidney, Autosomal Dominant; POLYCYSTIC KIDNEY DISEASE, ADULT, TYPE I. Identifiers: MedGen C3149841, MONDO:0008263, OMIM 173900.

Submissions (2):

CeGaT Center for Human Genetics Tuebingen
Classification: Pathogenic. Last evaluated: 2025-04-01. Review status: criteria provided, single submitter. Criteria: CeGaT Center For Human Genetics Tuebingen Variant Classification Criteria Version 2. Collection method: clinical testing. Allele origin: germline. Affected: yes. Observed: 2 variant alleles.
Comment: PKD1: PVS1, PM2, PS4:Moderate

Cavalleri Lab, Royal College of Surgeons in Ireland
Classification: Pathogenic for Polycystic kidney disease, adult type. Last evaluated: 2020-02-05. Review status: criteria provided, single submitter. Criteria: ACMG Guidelines, 2015. Collection method: research. Allele origin: unknown. Inheritance: Autosomal dominant inheritance. Affected: yes.
Comment: PVS1, PM2, PP4, PP5

NM_001009944.3(PKD1):c.3184C>T (p.Gln1062Ter)

Gene: PKD1 (polycystin 1, transient receptor potential channel interacting; minus strand). Cytogenetic location: 16p13.3.
Variant type: single nucleotide variant.
Coding change: c.3184C>T on transcript NM_001009944.3 (MANE Select); coding-DNA position 3184, C replaced by T.
Protein change: p.Gln1062Ter; replaces glutamine 1062 with a stop codon.
Molecular consequence: nonsense.
Genome position (GRCh38, 1-based): chr16:2,112,451, G>A on the plus strand (C>T on the coding strand, the complement: PKD1 is on the minus strand). VCF-style: chr16-2112451-G-A. GRCh37 (hg19) VCF-style: chr16-2162452-G-A.
Other names: c.3184C>T, p.Gln1062Ter (NM_000296.4); short protein forms Q1062*.
Identifiers: ClinVar variation 873385 (VCV000873385.14), dbSNP rs1231492796, ClinGen allele CA394383756.